The following is an entry in ClinVar:

NM_014639.4(SKIC3):c.3945A>C (p.Lys1315Asn)

Gene: SKIC3 (SKI3 subunit of superkiller complex; minus strand). Cytogenetic location: 5q15.
Variant type: single nucleotide variant.
Coding change: c.3945A>C on transcript NM_014639.4 (MANE Select); coding-DNA position 3945, A replaced by C.
Protein change: p.Lys1315Asn; replaces lysine 1315 with asparagine.
Molecular consequence: missense variant.
Genome position (GRCh38, 1-based): chr5:95,484,832, T>G on the plus strand (A>C on the coding strand, the complement: SKIC3 is on the minus strand). VCF-style: chr5-95484832-T-G. GRCh37 (hg19) VCF-style: chr5-94820536-T-G.
Other names: short protein forms K1315N.
Identifiers: ClinVar variation 1442360 (VCV001442360.9), dbSNP rs761696740, ClinGen allele CA3346535.

ClinVar aggregate classification (germline): Uncertain significance (1 of 4 stars; one submission).

Allele frequency attached by ClinVar (database versions not stated): ExAC 0.00001; gnomAD exomes 0.00001.
gnomAD v4.1: 3 of 1,614,076 alleles (0.00019%); highest among the groups gnomAD compares: South Asian, 0.0011%; no homozygotes.

Submission:

Labcorp Genetics (formerly Invitae), Labcorp
Classification: Uncertain significance. Last evaluated: 2022-02-05. Review status: criteria provided, single submitter. Criteria: Invitae Variant Classification Sherloc (09022015). Collection method: clinical testing. Allele origin: germline.
Comment: This variant is present in population databases (rs761696740, gnomAD 0.003%). In summary, the available evidence is currently insufficient to determine the role of this variant in disease. Therefore, it has been classified as a Variant of Uncertain Significance. Algorithms developed to predict the effect of missense changes on protein structure and function (SIFT, PolyPhen-2, Align-GVGD) all suggest that this variant is likely to be tolerated. This variant has not been reported in the literature in individuals affected with TTC37-related conditions. This sequence change replaces lysine, which is basic and polar, with asparagine, which is neutral and polar, at codon 1315 of the TTC37 protein (p.Lys1315Asn).